The following is an entry in ClinVar:

NM_001276345.2(TNNT2):c.610-15T>A

Gene: TNNT2 (troponin T2, cardiac type; minus strand). Cytogenetic location: 1q32.1.
Variant type: single nucleotide variant.
Coding change: c.610-15T>A on transcript NM_001276345.2 (MANE Select); 15 bases into the intron before coding-DNA position 610, T replaced by A.
Molecular consequence: intron variant.
Genome position (GRCh38, 1-based): chr1:201,362,037, A>T on the plus strand (T>A on the coding strand, the complement: TNNT2 is on the minus strand). VCF-style: chr1-201362037-A-T. GRCh37 (hg19) VCF-style: chr1-201331165-A-T.
Other names: c.562-15T>A (NM_001001432.3); c.571-15T>A (NM_001001431.3); c.580-15T>A (NM_001001430.3, NM_001276347.2); c.481-15T>A (NM_001276346.2); c.601-15T>A (NM_000364.4).
Identifiers: ClinVar variation 925695 (VCV000925695.15), dbSNP rs950076691, ClinGen allele CA35418762.
Genomic context (GRCh38, chr1:201,362,037, plus strand): 5'-TCTTCTTTTCCCGCTCAGTCTGCCTCTTCCCACTTTTCCGCTCTGTCTGGAGGGTGTGGG[A>T]AGCAGAGTAAACTGGCCAGATTGCCCCCTCCCTGTCCCCTAACCCTCCCCAAACCCCCTG-3'

ClinVar aggregate classification (germline): Conflicting classifications of pathogenicity. Review status: criteria provided, conflicting classifications (1 of 4 stars). 3 submissions from 3 submitters: Uncertain significance (2); Likely benign (1). Last evaluated 2025-05-23.

Conditions:
Cardiomyopathy (CMYO). Also called: Cardiomyopathies. Identifiers: Orphanet 167848, MedGen C0878544, MONDO:0004994, HP:0001638. Inheritance: Various modes of inheritance.
Hypertrophic cardiomyopathy 2. Also called: TNNT2-Related Familial Hypertrophic Cardiomyopathy. Identifiers: MedGen C1861864, MONDO:0007266, OMIM 115195.
Cardiomyopathy, familial restrictive, 3. Identifiers: Orphanet 75249, MedGen C2676271, MONDO:0012900, OMIM 612422.
Dilated cardiomyopathy 1D. Identifiers: Orphanet 154, Orphanet 54260, MedGen C1832243, MONDO:0011095, OMIM 601494.

Allele frequency attached by ClinVar (database versions not stated): gnomAD exomes below 0.00001; gnomAD 0.00002; TOPMed 0.00009.
gnomAD v4.1: 9 of 1,613,578 alleles (0.00056%); highest among the groups gnomAD compares: Admixed American, 0.0067%; no homozygotes.

Submissions (3):

Labcorp Genetics (formerly Invitae), Labcorp
Classification: Likely benign for Cardiomyopathy, familial restrictive, 3; Hypertrophic cardiomyopathy 2; Dilated cardiomyopathy 1D. Last evaluated: 2025-05-23. Review status: criteria provided, single submitter. Criteria: Invitae Variant Classification Sherloc (09022015). Collection method: clinical testing. Allele origin: germline.

All of Us Research Program, National Institutes of Health
Classification: Uncertain significance for Cardiomyopathy. Last evaluated: 2024-02-05. Review status: criteria provided, single submitter. Criteria: ACMG Guidelines, 2015. Collection method: clinical testing. Allele origin: germline. Inheritance: Autosomal dominant inheritance. Observed: 6 variant alleles, 6 heterozygotes.
Comment: This variant causes a T to A nucleotide substitution at the -15 position of intron 12 of the TNNT2 gene. To our knowledge, functional studies have not been reported for this variant. This variant has not been reported in individuals affected with cardiovascular disorders in the literature. This variant has not been identified in the general population by the Genome Aggregation Database (gnomAD). The available evidence is insufficient to determine the role of this variant in disease conclusively. Therefore, this variant is classified as a Variant of Uncertain Significance.

This study involves interpretation of variants in research participants for the purpose of population health screening. Participant phenotype was not available at the time of variant classification. Additional details can be found in publication PMID: 35346344, PMCID: PMC8962531

Color Diagnostics, LLC DBA Color Health
Classification: Uncertain significance for Cardiomyopathy. Last evaluated: 2023-11-01. Review status: criteria provided, single submitter. Criteria: ACMG Guidelines, 2015. Collection method: clinical testing. Allele origin: germline.
Comment: This variant causes a T to A nucleotide substitution at the -15 position of intron 12 of the TNNT2 gene. To our knowledge, functional studies have not been reported for this variant. This variant has not been reported in individuals affected with cardiovascular disorders in the literature. This variant has not been identified in the general population by the Genome Aggregation Database (gnomAD). The available evidence is insufficient to determine the role of this variant in disease conclusively. Therefore, this variant is classified as a Variant of Uncertain Significance.